The following is an entry in ClinVar:

ClinVar aggregate classification (germline): Uncertain significance (1 of 4 stars; one submission).

gnomAD v4.1: 3 of 1,614,084 alleles (0.00019%); highest among the groups gnomAD compares: Non-Finnish European, 0.000085%; no homozygotes.

Submission:

Labcorp Genetics (formerly Invitae), Labcorp
Classification: Uncertain significance. Last evaluated: 2025-10-02. Review status: criteria provided, single submitter. Criteria: Invitae Variant Classification Sherloc (09022015). Collection method: clinical testing. Allele origin: germline.
Comment: This sequence change replaces isoleucine, which is neutral and non-polar, with methionine, which is neutral and non-polar, at codon 201 of the FLVCR2 protein (p.Ile201Met). This variant is not present in population databases (gnomAD no frequency). This variant has not been reported in the literature in individuals affected with FLVCR2-related conditions. Invitae Evidence Modeling of protein sequence and biophysical properties (such as structural, functional, and spatial information, amino acid conservation, physicochemical variation, residue mobility, and thermodynamic stability) indicates that this missense variant is not expected to disrupt FLVCR2 protein function with a negative predictive value of 80%. In summary, the available evidence is currently insufficient to determine the role of this variant in disease. Therefore, it has been classified as a Variant of Uncertain Significance.

NM_017791.3(FLVCR2):c.603C>G (p.Ile201Met)

Genes: FLVCR2 (FLVCR choline and putative heme transporter 2; plus strand), FLVCR2-AS1 (FLVCR2 antisense RNA 1; minus strand). Cytogenetic location: 14q24.3.
Variant type: single nucleotide variant.
Coding change: c.603C>G on transcript NM_017791.3 (MANE Select); coding-DNA position 603, C replaced by G.
Protein change: p.Ile201Met; replaces isoleucine 201 with methionine.
Molecular consequence: missense variant. On other transcripts: non-coding transcript variant (1).
Genome position (GRCh38, 1-based): chr14:75,579,575, C>G. VCF-style: chr14-75579575-C-G. GRCh37 (hg19) VCF-style: chr14-76045918-C-G.
Other names: short protein forms I201M.
Identifiers: ClinVar variation 4780743 (VCV004780743.1).